The following is an entry in ClinVar:

NM_002541.4(OGDH):c.44C>T (p.Thr15Met)

Gene: OGDH (oxoglutarate dehydrogenase; plus strand). Cytogenetic location: 7p13.
Variant type: single nucleotide variant.
Coding change: c.44C>T on transcript NM_002541.4 (MANE Select); coding-DNA position 44, C replaced by T.
Protein change: p.Thr15Met; replaces threonine 15 with methionine.
Molecular consequence: missense variant.
Genome position (GRCh38, 1-based): chr7:44,624,387, C>T. VCF-style: chr7-44624387-C-T. GRCh37 (hg19) VCF-style: chr7-44663986-C-T.
Other names: c.44C>T, p.Thr15Met (NM_001363523.2, NM_001003941.3, NM_001165036.2); c.44C>T (NM_002541.3); short protein forms T15M.
Identifiers: ClinVar variation 3367070 (VCV003367070.2).

ClinVar aggregate classification (germline): Uncertain significance. Review status: criteria provided, multiple submitters, no conflicts (2 of 4 stars). 2 submissions from 2 submitters: Uncertain significance (2). Last evaluated 2025-07-12.

Conditions:
Oxoglutaricaciduria. Identifiers: Orphanet 31, MedGen C2752074, MONDO:0008759, OMIM 203740.

gnomAD v4.1: 56 of 1,594,792 alleles (0.0035%); highest among the groups gnomAD compares: African/African-American, 0.025%; no homozygotes.

Submissions (2):

Ambry Genetics
Classification: Uncertain significance. Last evaluated: 2025-07-12. Review status: criteria provided, single submitter. Criteria: Ambry Variant Classification Scheme 2023. Collection method: clinical testing. Allele origin: germline.

Neuberg Centre For Genomic Medicine, NCGM
Classification: Uncertain significance for Oxoglutaricaciduria. Last evaluated: 2023-05-20. Review status: criteria provided, single submitter. Criteria: ACMG Guidelines, 2015. Collection method: clinical testing. Allele origin: germline. Inheritance: Autosomal recessive inheritance. Affected: yes.
Comment: The observed missense c.44C>T(p.Thr15Met) variant in OGDH gene has not been reported previously as a pathogenic variant nor as a benign variant, to our knowledge. This variant is present with an allele frequency of 0.002% in gnomAD Exomes database. This variant has not been submitted to the ClinVar database. Computational evidence (Polyphen - probably damaging, SIFT -Tolerated and MutationTaster - disease causing) predicts conflicting evidence on protein structure and function for this variant. The reference amino acid is predicted as conserved by GERP++ and PhyloP across 100 vertebrates. The amino acid Thr at position 15 is changed to a Met changing protein sequence and it might alter its composition and physico-chemical properties. For these reasons, this variant has been classified as Uncertain Significance (VUS).